The following is an entry in ClinVar:

NM_201253.3(CRB1):c.1783G>C (p.Ala595Pro)

Gene: CRB1 (crumbs cell polarity complex component 1; plus strand). Cytogenetic location: 1q31.3.
Variant type: single nucleotide variant.
Coding change: c.1783G>C on transcript NM_201253.3 (MANE Select); coding-DNA position 1783, G replaced by C.
Protein change: p.Ala595Pro; replaces alanine 595 with proline.
Molecular consequence: missense variant. On other transcripts: non-coding transcript variant (1).
Genome position (GRCh38, 1-based): chr1:197,421,611, G>C. VCF-style: chr1-197421611-G-C. GRCh37 (hg19) VCF-style: chr1-197390741-G-C.
Other names: c.1447G>C, p.Ala483Pro (NM_001193640.2); c.1576G>C, p.Ala526Pro (NM_001257965.2); c.1783G>C, p.Ala595Pro (NM_001257966.2); short protein forms A483P, A526P, A595P.
Identifiers: ClinVar variation 1056590 (VCV001056590.9), dbSNP rs752212470, ClinGen allele CA344032607.

ClinVar aggregate classification (germline): Uncertain significance (1 of 4 stars; one submission).

Conditions:
Retinitis pigmentosa 12 (RP12). Also called: RP WITH OR WITHOUT PPRPE; RP WITH OR WITHOUT PRESERVED PARAARTERIOLE RETINAL PIGMENT EPITHELIUM; RETINITIS PIGMENTOSA WITH OR WITHOUT PARAARTERIOLAR PRESERVATION OF RETINAL PIGMENT EPITHELIUM. Identifiers: Orphanet 791, MedGen C1838647, MONDO:0010818, OMIM 600105.
Leber congenital amaurosis 8 (LCA8). Identifiers: Orphanet 65, MedGen C3151202, MONDO:0013453, OMIM 613835.

Submission:

Labcorp Genetics (formerly Invitae), Labcorp
Classification: Uncertain significance for Leber congenital amaurosis 8; Retinitis pigmentosa 12. Last evaluated: 2020-06-27. Review status: criteria provided, single submitter. Criteria: Invitae Variant Classification Sherloc (09022015). Collection method: clinical testing. Allele origin: germline.
Comment: This sequence change replaces alanine with proline at codon 595 of the CRB1 protein (p.Ala595Pro). The alanine residue is highly conserved and there is a small physicochemical difference between alanine and proline. In summary, the available evidence is currently insufficient to determine the role of this variant in disease. Therefore, it has been classified as a Variant of Uncertain Significance. Algorithms developed to predict the effect of missense changes on protein structure and function are either unavailable or do not agree on the potential impact of this missense change (SIFT: "Deleterious"; PolyPhen-2: "Possibly Damaging"; Align-GVGD: "Class C0"). This variant has been observed in individual(s) with clinical features of CRB1-related conditions (Invitae). This variant is not present in population databases (ExAC no frequency).